The following is an entry in ClinVar:

ClinVar aggregate classification (germline): Likely benign (1 of 4 stars; one submission).

gnomAD v4.1: 2 of 1,613,588 alleles (0.00012%); highest among the groups gnomAD compares: South Asian, 0.0022%; no homozygotes.

Submission:

GeneDx
Classification: Likely benign. Last evaluated: 2017-12-04. Review status: criteria provided, single submitter. Criteria: GeneDx Variant Classification (06012015). Collection method: clinical testing. Allele origin: germline. Affected: yes.
Comment: This variant is considered likely benign or benign based on one or more of the following criteria: it is a conservative change, it occurs at a poorly conserved position in the protein, it is predicted to be benign by multiple in silico algorithms, and/or has population frequency not consistent with disease.

NM_001267550.2(TTN):c.6075A>C (p.Glu2025Asp)

Gene: TTN (titin; minus strand). Cytogenetic location: 2q31.2.
Variant type: single nucleotide variant.
Coding change: c.6075A>C on transcript NM_001267550.2 (MANE Select); coding-DNA position 6075, A replaced by C.
Protein change: p.Glu2025Asp; replaces glutamic acid 2025 with aspartic acid.
Molecular consequence: missense variant.
Genome position (GRCh38, 1-based): chr2:178,775,789, T>G on the plus strand (A>C on the coding strand, the complement: TTN is on the minus strand). VCF-style: chr2-178775789-T-G. GRCh37 (hg19) VCF-style: chr2-179640516-T-G.
Other names: c.6075A>C, p.Glu2025Asp (NM_001256850.1, NM_133378.4, NM_133379.5); c.5937A>C, p.Glu1979Asp (NM_003319.4, NM_133432.3, NM_133437.4); short protein forms E2025D, E1979D.
Identifiers: ClinVar variation 513980 (VCV000513980.1), dbSNP rs778940741, ClinGen allele CA2005105.